The following is an entry in ClinVar:

NM_001386298.1(CIC):c.4550G>C (p.Gly1517Ala)

Gene: CIC (capicua transcriptional repressor; plus strand). Cytogenetic location: 19q13.2.
Variant type: single nucleotide variant.
Coding change: c.4550G>C on transcript NM_001386298.1 (MANE Select); coding-DNA position 4550, G replaced by C.
Protein change: p.Gly1517Ala; replaces glycine 1517 with alanine.
Molecular consequence: missense variant.
Genome position (GRCh38, 1-based): chr19:42,290,591, G>C. VCF-style: chr19-42290591-G-C. GRCh37 (hg19) VCF-style: chr19-42794743-G-C.
Other names: c.4550G>C, p.Gly1517Ala (NM_001439184.1, NM_001439185.1, NM_001439186.1 and 6 more transcripts); c.1823G>C, p.Gly608Ala (NM_001439189.1, NM_001439190.1, NM_001439191.1 and 3 more transcripts); short protein forms G1517A, G608A.
Identifiers: ClinVar variation 4851637 (VCV004851637.1).
Genomic context (GRCh38, chr19:42,290,591, plus strand): 5'-CCCGGTTCCTCCCAATGGATCCTGCCACCTTCCGGCGCAAGAGACCCGAAAGTGTGGGTG[G>C]CCTGGAGCCACCAGGCCCCTCAGTCATCGCGGCCCCTCCCAGCGGAGGAGGAAACATCCT-3'
Protein context (NP_001373227.1, residues 1507-1527): FRRKRPESVG[Gly1517Ala]LEPPGPSVIA

ClinVar aggregate classification (germline): Uncertain significance (1 of 4 stars; one submission).

Submission:

Greenwood Genetic Center Diagnostic Laboratories, Greenwood Genetic Center
Classification: Uncertain significance. Last evaluated: 2025-02-04. Review status: criteria provided, single submitter. Criteria: ACMG Guidelines, 2015. Collection method: clinical testing. Allele origin: germline.
Comment: PM2